The following is an entry in ClinVar:

NM_006031.6(PCNT):c.3863_3866del (p.His1288fs)

Gene: PCNT (pericentrin; plus strand). Cytogenetic location: 21q22.3.
Variant type: Microsatellite.
Coding change: c.3863_3866del on transcript NM_006031.6 (MANE Select); coding-DNA positions 3863 to 3866, 4 bases deleted (ATTC; older notation c.3863_3866delATTC).
Protein change: p.His1288fs; shifts the reading frame from histidine 1288.
Molecular consequence: frameshift variant.
Genome position (GRCh38, 1-based): chr21:46,390,692-46,390,695, ATTC deleted; deleting any 4 consecutive bases within chr21:46,390,688-46,390,695 gives the same sequence; the c. name uses the placement nearest the transcript's 3' end. VCF-style (leftmost placement, unchanged base first): chr21-46390687-AATTC-A. GRCh37 (hg19) VCF-style: chr21-47810602-AATTC-A.
Other names: c.3509_3512del, p.His1170fs (NM_001315529.2); short protein forms H1288fs, H1170fs.
Identifiers: ClinVar variation 3929680 (VCV003929680.3).

ClinVar aggregate classification (germline): Pathogenic/Likely pathogenic. Review status: criteria provided, multiple submitters, no conflicts (2 of 4 stars). 2 submissions from 2 submitters: Pathogenic (1); Likely pathogenic (1). Last evaluated 2025-07-29.

Conditions:
Inborn genetic diseases. Identifiers: MedGen C0950123, MeSH D030342.

Submissions (2):

Dasa
Classification: Likely pathogenic. Last evaluated: 2025-07-29. Review status: criteria provided, single submitter. Criteria: DASA Assertion Criteria. Collection method: clinical testing. Allele origin: germline.
Comment: NM_006031.6(PCNT):c.3863_3866del (p.His1288Leufs*28) is a frameshift variant in PCNT predicted to alter the reading frame and introduce a premature termination codon and is predicted to result in an absent or altered protein product. Loss of function is an established disease mechanism for PCNT-associated disorders. Also, this variant is rare in population databases. Based on the currently available evidence, this variant is classified as likely pathogenic.

Ambry Genetics
Classification: Pathogenic for Inborn genetic diseases. Last evaluated: 2025-04-22. Review status: criteria provided, single submitter. Criteria: Ambry Variant Classification Scheme 2023. Collection method: clinical testing. Allele origin: germline.
Comment: The c.3863_3866delATTC (p.H1288Lfs*28) alteration, located in exon 20 (coding exon 20) of the PCNT gene, consists of a deletion of 4 nucleotides from position 3863 to 3866, causing a translational frameshift with a predicted alternate stop codon after 28 amino acids. This alteration is expected to result in loss of function by premature protein truncation or nonsense-mediated mRNA decay. This variant was not reported in population-based cohorts in the Genome Aggregation Database (gnomAD). Based on the available evidence, this alteration is classified as pathogenic.